The following is an entry in ClinVar:

NM_000453.3(SLC5A5):c.-24C>A

Gene: SLC5A5 (solute carrier family 5 member 5; plus strand). Cytogenetic location: 19p13.11.
Variant type: single nucleotide variant.
Coding change: c.-24C>A on transcript NM_000453.3 (MANE Select); 24 bases upstream of the start codon, C replaced by A.
Molecular consequence: 5 prime UTR variant.
Genome position (GRCh38, 1-based): chr19:17,872,296, C>A. VCF-style: chr19-17872296-C-A. GRCh37 (hg19) VCF-style: chr19-17983105-C-A.
Identifiers: ClinVar variation 328532 (VCV000328532.6), dbSNP rs73518702, ClinGen allele CA9302620.

ClinVar aggregate classification (germline): Likely benign. Review status: criteria provided, multiple submitters, no conflicts (2 of 4 stars). 2 submissions from 2 submitters: Likely benign (2). Last evaluated 2018-01-13.

Conditions:
Thyroid dyshormonogenesis 1. Also called: HYPOTHYROIDISM, CONGENITAL, DUE TO DYSHORMONOGENESIS, 1; IODINE ACCUMULATION, TRANSPORT, OR TRAPPING DEFECT; THYROID HORMONOGENESIS, GENETIC DEFECT IN, 1; Familial thyroid dyshormonogenesis 1. Identifiers: Orphanet 95716, MedGen C1848805, MONDO:0020716, OMIM 274400.

Allele frequency attached by ClinVar (database versions not stated): gnomAD exomes 0.00437; ExAC 0.00961; ESP Exome Variant Server 0.01623; 1000 Genomes Project 0.01817; gnomAD 0.01899 and 0.02058; 1000 Genomes Project 30x 0.02014; TOPMed 0.02143.
gnomAD v4.1: 5,638 of 1,541,136 alleles (0.37%); highest among the groups gnomAD compares: African/African-American, 6.5%; 169 homozygotes.

Submissions (2):

Illumina Laboratory Services, Illumina
Classification: Likely benign for Thyroid dyshormonogenesis 1. Last evaluated: 2018-01-13. Review status: criteria provided, single submitter. Criteria: ICSL Variant Classification Criteria 13 December 2019. Collection method: clinical testing. Allele origin: germline.
Comment: This variant was observed in the ICSL laboratory as part of a predisposition screen in an ostensibly healthy population. It had not been previously curated by ICSL or reported in the Human Gene Mutation Database (HGMD: prior to June 1st, 2018), and was therefore a candidate for classification through an automated scoring system. Utilizing variant allele frequency, disease prevalence and penetrance estimates, and inheritance mode, an automated score was calculated to assess if this variant is too frequent to cause the disease. Based on the score and internal cut-off values, a variant classified as likely benign is not then subjected to further curation. The score for this variant resulted in a classification of likely benign for this disease.

Breakthrough Genomics
Classification: Likely benign. Review status: criteria provided, single submitter. Criteria: ACMG Guidelines, 2015. Collection method: not provided. Allele origin: germline. Inheritance: Autosomal recessive inheritance. Affected: yes.